The following is an entry in ClinVar:

ClinVar aggregate classification (germline): Uncertain significance (1 of 4 stars; one submission).

Allele frequency attached by ClinVar (database versions not stated): gnomAD exomes below 0.00001; TOPMed below 0.00001.
gnomAD v4.1: 2 of 1,612,960 alleles (0.00012%); highest among the groups gnomAD compares: Admixed American, 0.0017%; no homozygotes.

Submission:

Labcorp Genetics (formerly Invitae), Labcorp
Classification: Uncertain significance. Last evaluated: 2026-02-02. Review status: criteria provided, single submitter. Criteria: Invitae Variant Classification Sherloc (09022015). Collection method: clinical testing. Allele origin: germline.
Comment: This sequence change replaces proline, which is neutral and non-polar, with histidine, which is basic and polar, at codon 645 of the CACNA2D4 protein (p.Pro645His). This variant is present in population databases (no rsID available, gnomAD 0.003%). This variant has not been reported in the literature in individuals affected with CACNA2D4-related conditions. ClinVar contains an entry for this variant (Variation ID: 1370678). An algorithm developed to predict the effect of missense changes on protein structure and function (PolyPhen-2) suggests that this variant is likely to be disruptive. In summary, the available evidence is currently insufficient to determine the role of this variant in disease. Therefore, it has been classified as a Variant of Uncertain Significance.

NM_172364.5(CACNA2D4):c.1934C>A (p.Pro645His)

Gene: CACNA2D4 (calcium voltage-gated channel auxiliary subunit alpha2delta 4; minus strand). Cytogenetic location: 12p13.33.
Variant type: single nucleotide variant.
Coding change: c.1934C>A on transcript NM_172364.5 (MANE Select); coding-DNA position 1934, C replaced by A.
Protein change: p.Pro645His; replaces proline 645 with histidine.
Molecular consequence: missense variant.
Genome position (GRCh38, 1-based): chr12:1,860,151, G>T on the plus strand (C>A on the coding strand, the complement: CACNA2D4 is on the minus strand). VCF-style: chr12-1860151-G-T. GRCh37 (hg19) VCF-style: chr12-1969317-G-T.
Other names: short protein forms P645H.
Identifiers: ClinVar variation 1370678 (VCV001370678.6), dbSNP rs1263670407, ClinGen allele CA383350193.
Genomic context (GRCh38, chr12:1,860,151, plus strand): 5'-GCTGGTATTCATGTTCAACCCTCACCCCGTGCAAATAAAGCCTGTGTCCCTCACCTGAAA[G>T]GGGTGTCGCTGATGTCCGTGAAGAAGTAGTCATTGGTCAGGAAAAGAACTCGCTTCTGAA-3'
Protein context (NP_758952.4, residues 635-655): DYFFTDISDT[Pro645His]FSLGVVLSRG